The following is an entry in ClinVar:

NM_006506.5(RASA2):c.140C>G (p.Ala47Gly)

Gene: RASA2 (RAS p21 protein activator 2; plus strand). Cytogenetic location: 3q23.
Variant type: single nucleotide variant.
Coding change: c.140C>G on transcript NM_006506.5 (MANE Select); coding-DNA position 140, C replaced by G.
Protein change: p.Ala47Gly; replaces alanine 47 with glycine.
Molecular consequence: missense variant.
Genome position (GRCh38, 1-based): chr3:141,512,169, C>G. VCF-style: chr3-141512169-C-G. GRCh37 (hg19) VCF-style: chr3-141231011-C-G.
Other names: c.140C>G, p.Ala47Gly (NM_001303245.3, NM_001303246.3); short protein forms A47G.
Identifiers: ClinVar variation 5027890 (VCV005027890.1).

ClinVar aggregate classification (germline): Uncertain significance (1 of 4 stars; one submission).

Submission:

Ambry Genetics
Classification: Uncertain significance. Last evaluated: 2026-07-24. Review status: criteria provided, single submitter. Criteria: Ambry Variant Classification Scheme 2023. Collection method: clinical testing. Allele origin: germline.
Comment: The p.A47G variant (also known as c.140C>G), located in coding exon 2 of the RASA2 gene, results from a C to G substitution at nucleotide position 140. The alanine at codon 47 is replaced by glycine, an amino acid with similar properties. This amino acid position is conserved. In addition, the in silico prediction for this alteration is inconclusive. Based on the available evidence, the clinical significance of this variant remains unclear.